The following is an entry in ClinVar:

NC_000023.10:g.(?_21755681)_(21772408_?)dup

Gene: SMPX (small muscle protein X-linked; minus strand). Cytogenetic location: Xp22.12.
Variant type: Duplication.
Identifiers: ClinVar variation 2425943 (VCV002425943.4).

ClinVar aggregate classification (germline): Uncertain significance (1 of 4 stars; one submission).

Submission:

Labcorp Genetics (formerly Invitae), Labcorp
Classification: Uncertain significance. Last evaluated: 2023-07-10. Review status: criteria provided, single submitter. Criteria: Invitae Variant Classification Sherloc (09022015). Collection method: clinical testing. Allele origin: germline.
Comment: In summary, the available evidence is currently insufficient to determine the role of this variant in disease. Therefore, it has been classified as a Variant of Uncertain Significance. This variant has not been reported in the literature in individuals affected with SMPX-related conditions. A copy number gain of the genomic region encompassing the full coding sequence of the SMPX gene has been identified. The boundaries of this event are unknown as they extend beyond the assayed region for this gene and therefore may encompass additional genes. As the precise location of this event is unknown, it may be in tandem or it may be located elsewhere in the genome.